The following is an entry in ClinVar:

NM_005530.3(IDH3A):c.562C>T (p.Arg188Trp)

Gene: IDH3A (isocitrate dehydrogenase (NAD(+)) 3 catalytic subunit alpha; plus strand). Cytogenetic location: 15q25.1.
Variant type: single nucleotide variant.
Coding change: c.562C>T on transcript NM_005530.3 (MANE Select); coding-DNA position 562, C replaced by T.
Protein change: p.Arg188Trp; replaces arginine 188 with tryptophan.
Molecular consequence: missense variant.
Genome position (GRCh38, 1-based): chr15:78,162,318, C>T. VCF-style: chr15-78162318-C-T. GRCh37 (hg19) VCF-style: chr15-78454660-C-T.
Other names: c.562C>T (NM_005530.2); short protein forms R188W.
Identifiers: ClinVar variation 1021500 (VCV001021500.5), dbSNP rs577307029, ClinGen allele CA7680600.
Genomic context (GRCh38, chr15:78,162,318, plus strand): 5'-ATCAAGCTCATCACCGAGGGGGCGAGCAAGCGCATTGCTGAGTTTGCCTTTGAGTATGCC[C>T]GGAACAACCACCGGAGCAACGTCACGGCGGTGCACAAAGCCAACATCATGTGAGCTCCTT-3'
Protein context (NP_005521.1, residues 178-198): RIAEFAFEYA[Arg188Trp]NNHRSNVTAV

ClinVar aggregate classification (germline): Uncertain significance. Review status: criteria provided, multiple submitters, no conflicts (2 of 4 stars). 2 submissions from 2 submitters: Uncertain significance (2). Last evaluated 2023-12-09.

Allele frequency attached by ClinVar (database versions not stated): TOPMed 0.00003; gnomAD 0.00004; 1000 Genomes Project 30x 0.00016; 1000 Genomes Project 0.00020.
gnomAD v4.1: 26 of 1,614,072 alleles (0.0016%); highest among the groups gnomAD compares: South Asian, 0.0022%; no homozygotes.

Submissions (2):

Ambry Genetics
Classification: Uncertain significance. Last evaluated: 2023-12-09. Review status: criteria provided, single submitter. Criteria: Ambry Variant Classification Scheme 2023. Collection method: clinical testing. Allele origin: germline.

Labcorp Genetics (formerly Invitae), Labcorp
Classification: Uncertain significance. Last evaluated: 2022-10-25. Review status: criteria provided, single submitter. Criteria: Invitae Variant Classification Sherloc (09022015). Collection method: clinical testing. Allele origin: germline.
Comment: This sequence change replaces arginine, which is basic and polar, with tryptophan, which is neutral and slightly polar, at codon 188 of the IDH3A protein (p.Arg188Trp). This variant is present in population databases (rs577307029, gnomAD 0.004%). This variant has not been reported in the literature in individuals affected with IDH3A-related conditions. ClinVar contains an entry for this variant (Variation ID: 1021500). Advanced modeling of protein sequence and biophysical properties (such as structural, functional, and spatial information, amino acid conservation, physicochemical variation, residue mobility, and thermodynamic stability) has been performed at Invitae for this missense variant, however the output from this modeling did not meet the statistical confidence thresholds required to predict the impact of this variant on IDH3A protein function. In summary, the available evidence is currently insufficient to determine the role of this variant in disease. Therefore, it has been classified as a Variant of Uncertain Significance.